The following is an entry in ClinVar:

NM_001332.4(CTNND2):c.683_704delinsGCGCCGTTC (p.Glu228fs)

Gene: CTNND2 (catenin delta 2; minus strand). Cytogenetic location: 5p15.2.
Variant type: Indel.
Coding change: c.683_704delinsGCGCCGTTC on transcript NM_001332.4 (MANE Select); coding-DNA positions 683 to 704, AGCCGTTCGCGCCCAGCCTGGG replaced by GCGCCGTTC.
Protein change: p.Glu228fs; shifts the reading frame from glutamic acid 228.
Molecular consequence: frameshift variant. On other transcripts: intron variant (3).
Genome position (GRCh38, 1-based): chr5:11,385,138-11,385,159, CCCAGGCTGGGCGCGAACGGCT replaced by GAACGGCGC on the plus strand (AGCCGTTCGCGCCCAGCCTGGG replaced by GCGCCGTTC on the coding strand, the reverse complement: CTNND2 is on the minus strand). VCF-style: chr5-11385138-CCCAGGCTGGGCGCGAACGGCT-GAACGGCGC. GRCh37 (hg19) VCF-style: chr5-11385250-CCCAGGCTGGGCGCGAACGGCT-GAACGGCGC.
Other names: c.410_431delinsGCGCCGTTC, p.Glu137fs (NM_001288715.1); c.-123+11872_-123+11893delinsGCGCCGTTC (NM_001288717.2); c.167-20269_167-20248delinsGCGCCGTTC (NM_001364128.2, NM_001288716.1); short protein forms E137fs, E228fs.
Identifiers: ClinVar variation 4869512 (VCV004869512.1).

ClinVar aggregate classification (germline): Pathogenic (1 of 4 stars; one submission).

Conditions:
Inborn genetic diseases. Identifiers: MedGen C0950123, MeSH D030342.

Submission:

Ambry Genetics
Classification: Pathogenic for Inborn genetic diseases. Last evaluated: 2026-05-21. Review status: criteria provided, single submitter. Criteria: Ambry Variant Classification Scheme 2023. Collection method: clinical testing. Allele origin: germline.
Comment: The c.683_704del22insGCGCCGTTC (p.E228Gfs*100) alteration, located in exon 7 (coding exon 7) of the CTNND2 gene, consists of a deletion of 22 and insertion of 9 nucleotides causing a translational frameshift at position 683 with a predicted alternate stop codon after 100 amino acids. This variant is expected to result in loss of function by premature protein truncation or nonsense-mediated mRNA decay. This variant was not reported in population-based cohorts in the Genome Aggregation Database (gnomAD). Based on the available evidence, this alteration is classified as pathogenic.